The following is an entry in ClinVar:

NM_175914.5(HNF4A):c.50-4496C>T

Gene: HNF4A (hepatocyte nuclear factor 4 alpha; plus strand). Cytogenetic location: 20q13.12.
Variant type: single nucleotide variant.
Coding change: c.50-4496C>T on transcript NM_175914.5 (MANE Select); 4496 bases into the intron before coding-DNA position 50, C replaced by T.
Molecular consequence: intron variant.
Genome position (GRCh38, 1-based): chr20:44,401,562, C>T. VCF-style: chr20-44401562-C-T. GRCh37 (hg19) VCF-style: chr20-43030202-C-T.
Other names: c.41-4496C>T (NM_001287182.2, NM_001287183.2, NM_001287184.2); c.50-4496C>T (NM_001030003.3, NM_001030004.3); c.3+75C>T (NM_001258355.2); c.115+75C>T (NM_178849.3, NM_000457.6, NM_178850.3).
Identifiers: ClinVar variation 994898 (VCV000994898.2), dbSNP rs189943469, ClinGen allele CA315400574.

ClinVar aggregate classification (germline): Benign/Likely benign. Review status: criteria provided, multiple submitters, no conflicts (2 of 4 stars). 2 submissions from 2 submitters: Benign (1); Likely benign (1). Last evaluated 2020-01-30.

Conditions:
Maturity-onset diabetes of the young (MODY). Also called: Maturity onset diabetes mellitus in young. Identifiers: Orphanet 552, MedGen C0342276, MONDO:0018911, HP:0004904.

Allele frequency attached by ClinVar (database versions not stated): gnomAD 0.00005 and 0.00006; gnomAD exomes 0.00008; TOPMed 0.00014; 1000 Genomes Project 30x 0.00016; 1000 Genomes Project 0.00020.
gnomAD v4.1: 114 of 1,566,470 alleles (0.0073%); highest among the groups gnomAD compares: Admixed American, 0.15%; no homozygotes.

Submissions (2):

Athena Diagnostics
Classification: Likely benign. Last evaluated: 2020-01-30. Review status: criteria provided, single submitter. Criteria: Athena Diagnostics Criteria. Collection method: clinical testing. Allele origin: unknown.

Clinical Genomics, Uppaluri K&H Personalized Medicine Clinic
Classification: Benign for Maturity-onset diabetes of the young. Review status: criteria provided, single submitter. Criteria: K & H Uppaluri Personalized Medicine Clinic Variant Classification & Assertion Criteria_Updated V.1. Collection method: research. Allele origin: unknown. Inheritance: Autosomal dominant inheritance.
Comment: Potent mutations in HNF4A are associated with poor insulin secretion in response to hyperglycemia. Associated with MODY1. Patients initially respond well to sulfonylureas but eventually become insulin dependent. However, more evidence is required to ascertain the role of this particular variant rs189943469 in MODY, yet.

Literature cited by the submitters: DOI 10.1159/000334532 (cited by Clinical Genomics, Uppaluri K&H Personalized Medicine Clinic); PubMed 18268044 (cited by Clinical Genomics, Uppaluri K&H Personalized Medicine Clinic); PubMed 17563455 (cited by Clinical Genomics, Uppaluri K&H Personalized Medicine Clinic); PubMed 32583173 (cited by Clinical Genomics, Uppaluri K&H Personalized Medicine Clinic); PubMed 35052457 (cited by Clinical Genomics, Uppaluri K&H Personalized Medicine Clinic); PubMed 35118593 (cited by Clinical Genomics, Uppaluri K&H Personalized Medicine Clinic).